The following is an entry in ClinVar:

ClinVar aggregate classification (germline): Uncertain significance (1 of 4 stars; one submission).

Allele frequency attached by ClinVar (database versions not stated): TOPMed below 0.00001; ExAC 0.00002.
gnomAD v4.1: 1 of 1,612,634 alleles (0.000062%); highest among the groups gnomAD compares: South Asian, 0.0011%; no homozygotes.

Submission:

Labcorp Genetics (formerly Invitae), Labcorp
Classification: Uncertain significance. Last evaluated: 2022-02-25. Review status: criteria provided, single submitter. Criteria: Invitae Variant Classification Sherloc (09022015). Collection method: clinical testing. Allele origin: germline.
Comment: This sequence change replaces glutamic acid, which is acidic and polar, with aspartic acid, which is acidic and polar, at codon 401 of the COQ8A protein (p.Glu401Asp). The frequency data for this variant in the population databases is considered unreliable, as metrics indicate poor data quality at this position in the gnomAD database. This variant has not been reported in the literature in individuals affected with COQ8A-related conditions. Advanced modeling of protein sequence and biophysical properties (such as structural, functional, and spatial information, amino acid conservation, physicochemical variation, residue mobility, and thermodynamic stability) performed at Invitae indicates that this missense variant is expected to disrupt COQ8A protein function. In summary, the available evidence is currently insufficient to determine the role of this variant in disease. Therefore, it has been classified as a Variant of Uncertain Significance.

NM_020247.5(COQ8A):c.1203G>T (p.Glu401Asp)

Gene: COQ8A (coenzyme Q8A; plus strand). Cytogenetic location: 1q42.13.
Variant type: single nucleotide variant.
Coding change: c.1203G>T on transcript NM_020247.5 (MANE Select); coding-DNA position 1203, G replaced by T.
Protein change: p.Glu401Asp; replaces glutamic acid 401 with aspartic acid.
Molecular consequence: missense variant.
Genome position (GRCh38, 1-based): chr1:226,983,801, G>T. VCF-style: chr1-226983801-G-T. GRCh37 (hg19) VCF-style: chr1-227171502-G-T.
Other names: short protein forms E401D.
Identifiers: ClinVar variation 1918966 (VCV001918966.2), dbSNP rs749174686, ClinGen allele CA1425363.